The following is an entry in ClinVar:

ClinVar aggregate classification (germline): Conflicting classifications of pathogenicity. Review status: criteria provided, conflicting classifications (1 of 4 stars). 3 submissions from 3 submitters: Pathogenic (1); Likely pathogenic (1); Uncertain significance (1). Last evaluated 2025-10-17.

Conditions:
Hereditary cancer-predisposing syndrome. Also called: Neoplastic Syndromes, Hereditary; Hereditary Cancer Syndrome; Tumor predisposition; Hereditary neoplastic syndrome. Identifiers: Orphanet 140162, MedGen C0027672, MeSH D009386, MONDO:0015356.
Ataxia-telangiectasia syndrome (AT). Also called: LOUIS-BAR SYNDROME; Cerebello-oculocutaneous telangiectasia; Immunodeficiency with ataxia telangiectasia; Ataxia-telangiectasia, complementation group D; AT, COMPLEMENTATION GROUP C; Ataxia-telangiectasia, complementation group E. Identifiers: Orphanet 100, MedGen C0004135, MONDO:0008840, OMIM 208900.
Familial cancer of breast. Also called: Hereditary breast cancer; BREAST CANCER, FAMILIAL; hereditary breast carcinoma. Identifiers: Orphanet 227535, MedGen C0346153, MONDO:0016419, OMIM 114480. Disease mechanism: loss of function.

Allele frequency attached by ClinVar (database versions not stated): gnomAD exomes below 0.00001.
gnomAD v4.1: 2 of 1,599,028 alleles (0.00013%); highest among the groups gnomAD compares: Non-Finnish European, 0.00017%; no homozygotes.

Submissions (3):

Ambry Genetics
Classification: Likely pathogenic for Hereditary cancer-predisposing syndrome. Last evaluated: 2025-10-17. Review status: criteria provided, single submitter. Criteria: Ambry Variant Classification Scheme 2023. Collection method: clinical testing. Allele origin: germline.
Comment: The c.8267A>G variant (also known as p.K2756R), located in coding exon 55 of the ATM gene, results from an A to G substitution at nucleotide position 8267. The lysine at codon 2756 is replaced by arginine, an amino acid with highly similar properties. This nucleotide position is highly conserved in available vertebrate species. In silico splice site analysis predicts that this alteration may weaken the native splice donor site. RNA studies have demonstrated that this alteration results in abnormal splicing in the set of samples tested (Ambry internal data). This variant is considered to be rare based on population cohorts in the Genome Aggregation Database (gnomAD). Based on the majority of available evidence to date, this variant is likely to be pathogenic.

Baylor Genetics
Classification: Uncertain significance for Familial cancer of breast. Last evaluated: 2024-03-11. Review status: criteria provided, single submitter. Criteria: ACMG Guidelines, 2015. Collection method: clinical testing. Allele origin: unknown.

Labcorp Genetics (formerly Invitae), Labcorp
Classification: Pathogenic for Ataxia-telangiectasia syndrome. Last evaluated: 2023-04-28. Review status: criteria provided, single submitter. Criteria: Invitae Variant Classification Sherloc (09022015). Collection method: clinical testing. Allele origin: germline.
Comment: This sequence change replaces lysine, which is basic and polar, with arginine, which is basic and polar, at codon 2756 of the ATM protein (p.Lys2756Arg). RNA analysis indicates that this missense change induces altered splicing and likely results in a shortened protein product. This variant is not present in population databases (gnomAD no frequency). This variant has not been reported in the literature in individuals affected with ATM-related conditions. ClinVar contains an entry for this variant (Variation ID: 481180). An algorithm developed to predict the effect of missense changes on protein structure and function (PolyPhen-2) suggests that this variant is likely to be disruptive. Studies have shown that this missense change results in skipping of exon 56, but is expected to preserve the integrity of the reading-frame (Invitae). This variant disrupts a region of the ATM protein in which other variant(s) (p.Gln2730Pro) have been determined to be pathogenic (PMID: 16189143, 19431188, 22869595). This suggests that this is a clinically significant region of the protein, and that variants that disrupt it are likely to be disease-causing. For these reasons, this variant has been classified as Pathogenic.

Literature cited by the submitters: PubMed 16189143 (cited by Labcorp Genetics (formerly Invitae), Labcorp); PubMed 19431188 (cited by Labcorp Genetics (formerly Invitae), Labcorp); PubMed 22869595 (cited by Labcorp Genetics (formerly Invitae), Labcorp).

NM_000051.4(ATM):c.8267A>G (p.Lys2756Arg)

Genes: ATM (ATM serine/threonine kinase; plus strand), C11orf65 (chromosome 11 open reading frame 65; minus strand). Cytogenetic location: 11q22.3.
Variant type: single nucleotide variant.
Coding change: c.8267A>G on transcript NM_000051.4 (MANE Select); coding-DNA position 8267, A replaced by G.
Protein change: p.Lys2756Arg; replaces lysine 2756 with arginine.
Molecular consequence: missense variant. On other transcripts: intron variant (2).
Genome position (GRCh38, 1-based): chr11:108,335,960, A>G. VCF-style: chr11-108335960-A-G. GRCh37 (hg19) VCF-style: chr11-108206687-A-G.
Other names: c.8267A>G, p.Lys2756Arg (NM_001351834.2); c.641-26889T>C (NM_001330368.2); c.695-668T>C (NM_001351110.2); short protein forms K2756R.
Identifiers: ClinVar variation 481180 (VCV000481180.16), dbSNP rs1555128635, ClinGen allele CA382562700.